The following is an entry in ClinVar:

NM_001243133.2(NLRP3):c.2723C>T (p.Thr908Ile)

Gene: NLRP3 (NLR family pyrin domain containing 3; plus strand). Cytogenetic location: 1q44.
Variant type: single nucleotide variant.
Coding change: c.2723C>T on transcript NM_001243133.2 (MANE Select); coding-DNA position 2723, C replaced by T.
Protein change: p.Thr908Ile; replaces threonine 908 with isoleucine.
Molecular consequence: missense variant.
Genome position (GRCh38, 1-based): chr1:247,444,031, C>T. VCF-style: chr1-247444031-C-T. GRCh37 (hg19) VCF-style: chr1-247607333-C-T.
Other names: c.2723C>T, p.Thr908Ile (NM_001079821.3); c.2552C>T, p.Thr851Ile (NM_001127461.3, NM_001127462.3); c.2729C>T, p.Thr910Ile (NM_004895.5); c.2381C>T, p.Thr794Ile (NM_183395.3); short protein forms T794I, T851I, T908I, T910I.
Identifiers: ClinVar variation 2582878 (VCV002582878.25), dbSNP rs2527468120, ClinGen allele CA345564966.

ClinVar aggregate classification (germline): Uncertain significance (1 of 4 stars; one submission).

Allele frequency attached by ClinVar (database versions not stated): gnomAD exomes below 0.00001.
gnomAD v4.1: 2 of 1,614,188 alleles (0.00012%); highest among the groups gnomAD compares: Non-Finnish European, 0.00017%; no homozygotes.

Submission:

CeGaT Center for Human Genetics Tuebingen
Classification: Uncertain significance. Last evaluated: 2023-09-01. Review status: criteria provided, single submitter. Criteria: CeGaT Center For Human Genetics Tuebingen Variant Classification Criteria Version 2. Collection method: clinical testing. Allele origin: germline. Affected: yes. Observed: 1 variant allele.
Comment: NLRP3: PM2, BP4